The following is an entry in ClinVar:

ClinVar aggregate classification (germline): Uncertain significance (1 of 4 stars; one submission).

gnomAD v4.1: 7 of 1,554,234 alleles (0.00045%); highest among the groups gnomAD compares: East Asian, 0.0024%; no homozygotes.

Submission:

Labcorp Genetics (formerly Invitae), Labcorp
Classification: Uncertain significance. Last evaluated: 2025-09-15. Review status: criteria provided, single submitter. Criteria: Invitae Variant Classification Sherloc (09022015). Collection method: clinical testing. Allele origin: germline.
Comment: This sequence change replaces alanine, which is neutral and non-polar, with threonine, which is neutral and polar, at codon 143 of the TCIRG1 protein (p.Ala143Thr). The frequency data for this variant in the population databases is considered unreliable, as metrics indicate poor data quality at this position in the gnomAD database. This variant has not been reported in the literature in individuals affected with TCIRG1-related conditions. Invitae Evidence Modeling of protein sequence and biophysical properties (such as structural, functional, and spatial information, amino acid conservation, physicochemical variation, residue mobility, and thermodynamic stability) indicates that this missense variant is not expected to disrupt TCIRG1 protein function with a negative predictive value of 80%. In summary, the available evidence is currently insufficient to determine the role of this variant in disease. Therefore, it has been classified as a Variant of Uncertain Significance.

NM_006019.4(TCIRG1):c.427G>A (p.Ala143Thr)

Gene: TCIRG1 (T cell immune regulator 1, ATPase H+ transporting V0 subunit a3; plus strand). Cytogenetic location: 11q13.2.
Variant type: single nucleotide variant.
Coding change: c.427G>A on transcript NM_006019.4 (MANE Select); coding-DNA position 427, G replaced by A.
Protein change: p.Ala143Thr; replaces alanine 143 with threonine.
Molecular consequence: missense variant. On other transcripts: 5 prime UTR variant (1), intron variant (6).
Genome position (GRCh38, 1-based): chr11:68,042,955, G>A. VCF-style: chr11-68042955-G-A. GRCh37 (hg19) VCF-style: chr11-67810422-G-A.
Other names: c.-823G>A (NM_001351059.2); c.427G>A, p.Ala143Thr (NM_001440552.1, NM_001440553.1, NM_001440554.1 and 5 more transcripts); c.385G>A, p.Ala129Thr (NM_001440555.1, NM_001440556.1, NM_001440563.1); c.127G>A, p.Ala43Thr (NM_001440565.1); c.417+92G>A (NM_001440561.1, NM_001440566.1, NM_001440562.1 and 1 more transcripts); c.375+92G>A (NM_001440564.1, NM_001440568.1); short protein forms A129T, A143T, A43T.
Identifiers: ClinVar variation 4740103 (VCV004740103.1).